The following is an entry in ClinVar:

ClinVar aggregate classification (germline): Uncertain significance. Review status: criteria provided, multiple submitters, no conflicts (2 of 4 stars). 4 submissions from 4 submitters: Uncertain significance (4). Last evaluated 2025-09-26.

Conditions:
Hereditary cancer-predisposing syndrome. Also called: Tumor predisposition; Neoplastic Syndromes, Hereditary; Hereditary Cancer Syndrome; Hereditary neoplastic syndrome. Identifiers: Orphanet 140162, MedGen C0027672, MeSH D009386, MONDO:0015356.
Neuroblastoma, susceptibility to, 3. Also called: ALK-Related Neuroblastic Tumor Susceptibility. Identifiers: Orphanet 635, MedGen C2751681, MONDO:0013083, OMIM 613014.

Submissions (4):

Ambry Genetics
Classification: Uncertain significance for Hereditary cancer-predisposing syndrome. Last evaluated: 2025-09-26. Review status: criteria provided, single submitter. Criteria: Ambry Variant Classification Scheme 2023. Collection method: clinical testing. Allele origin: germline.
Comment: The p.Q1177P variant (also known as c.3530A>C), located in coding exon 23 of the ALK gene, results from an A to C substitution at nucleotide position 3530. The glutamine at codon 1177 is replaced by proline, an amino acid with similar properties. This amino acid position is highly conserved in available vertebrate species. In addition, this alteration is predicted to be deleterious by in silico analysis. Since supporting evidence is limited at this time, the clinical significance of this alteration remains unclear.

Labcorp Genetics (formerly Invitae), Labcorp
Classification: Uncertain significance for Neuroblastoma, susceptibility to, 3. Last evaluated: 2024-09-16. Review status: criteria provided, single submitter. Criteria: Invitae Variant Classification Sherloc (09022015). Collection method: clinical testing. Allele origin: germline.
Comment: This sequence change replaces glutamine, which is neutral and polar, with proline, which is neutral and non-polar, at codon 1177 of the ALK protein (p.Gln1177Pro). This variant is not present in population databases (gnomAD no frequency). This variant has not been reported in the literature in individuals affected with ALK-related conditions. ClinVar contains an entry for this variant (Variation ID: 404382). An algorithm developed to predict the effect of missense changes on protein structure and function (PolyPhen-2) suggests that this variant is likely to be tolerated. In summary, the available evidence is currently insufficient to determine the role of this variant in disease. Therefore, it has been classified as a Variant of Uncertain Significance.

Baylor Genetics
Classification: Uncertain significance for Neuroblastoma, susceptibility to, 3. Last evaluated: 2023-11-18. Review status: criteria provided, single submitter. Criteria: ACMG Guidelines, 2015. Collection method: clinical testing. Allele origin: unknown.

GeneDx
Classification: Uncertain significance. Last evaluated: 2020-09-21. Review status: criteria provided, single submitter. Criteria: GeneDx Variant Classification Process June 2021. Collection method: clinical testing. Allele origin: germline. Affected: yes.
Comment: Not observed in large population cohorts (Lek 2016); In silico analysis supports that this missense variant has a deleterious effect on protein structure/function; Has not been previously published as pathogenic or benign to our knowledge

NM_004304.5(ALK):c.3530A>C (p.Gln1177Pro)

Gene: ALK (ALK receptor tyrosine kinase; minus strand). Cytogenetic location: 2p23.2.
Variant type: single nucleotide variant.
Coding change: c.3530A>C on transcript NM_004304.5 (MANE Select); coding-DNA position 3530, A replaced by C.
Protein change: p.Gln1177Pro; replaces glutamine 1177 with proline.
Molecular consequence: missense variant.
Genome position (GRCh38, 1-based): chr2:29,220,821, T>G on the plus strand (A>C on the coding strand, the complement: ALK is on the minus strand). VCF-style: chr2-29220821-T-G. GRCh37 (hg19) VCF-style: chr2-29443687-T-G.
Other names: c.326A>C, p.Gln109Pro (NM_001353765.2); short protein forms Q1177P, Q109P.
Identifiers: ClinVar variation 404382 (VCV000404382.17), dbSNP rs1060500229, ClinGen allele CA16610895.